The following is an entry in ClinVar:

ClinVar aggregate classification (germline): Uncertain significance. Review status: criteria provided, multiple submitters, no conflicts (2 of 4 stars). 3 submissions from 3 submitters: Uncertain significance (3). Last evaluated 2026-02-13.

Conditions:
Familial temporal lobe epilepsy 8. Identifiers: Orphanet 101046, MedGen C4225318, MONDO:0014650, OMIM 616461.

Allele frequency attached by ClinVar (database versions not stated): gnomAD 0.00001; gnomAD exomes 0.00002 and 0.00007; TOPMed 0.00003; ExAC 0.00007.
gnomAD v4.1: 27 of 1,606,256 alleles (0.0017%); highest among the groups gnomAD compares: East Asian, 0.042%; no homozygotes.

Submissions (3):

Women's Health and Genetics/Laboratory Corporation of America, LabCorp
Classification: Uncertain significance. Last evaluated: 2026-02-13. Review status: criteria provided, single submitter. Criteria: LabCorp Variant Classification Summary - May 2015. Collection method: clinical testing. Allele origin: germline.
Comment: Variant summary: GAL c.368C>T (p.Ser123Phe) results in a non-conservative amino acid change in the encoded protein sequence. Algorithms developed to predict the effect of missense changes on protein structure and function are either unavailable or do not agree on the potential impact of this missense change. The variant allele was found at a frequency of 6.8e-05 in 251252 control chromosomes. This frequency is not significantly higher than estimated for disease-causing variants in GAL, allowing no conclusion about variant significance. To our knowledge, no occurrence of c.368C>T in individuals affected with GAL-related conditions and no experimental evidence demonstrating its impact on protein function have been reported. ClinVar contains an entry for this variant (Variation ID: 940511). Based on the evidence outlined above, the variant was classified as uncertain significance.

Ambry Genetics
Classification: Uncertain significance. Last evaluated: 2023-07-25. Review status: criteria provided, single submitter. Criteria: Ambry Variant Classification Scheme 2023. Collection method: clinical testing. Allele origin: germline.

Labcorp Genetics (formerly Invitae), Labcorp
Classification: Uncertain significance for Familial temporal lobe epilepsy 8. Last evaluated: 2022-08-10. Review status: criteria provided, single submitter. Criteria: Invitae Variant Classification Sherloc (09022015). Collection method: clinical testing. Allele origin: germline.
Comment: In summary, the available evidence is currently insufficient to determine the role of this variant in disease. Therefore, it has been classified as a Variant of Uncertain Significance. Algorithms developed to predict the effect of missense changes on protein structure and function are either unavailable or do not agree on the potential impact of this missense change (SIFT: "Not Available"; PolyPhen-2: "Probably Damaging"; Align-GVGD: "Not Available"). ClinVar contains an entry for this variant (Variation ID: 940511). This variant has not been reported in the literature in individuals affected with GAL-related conditions. This variant is present in population databases (rs747411981, gnomAD 0.08%), and has an allele count higher than expected for a pathogenic variant. This sequence change replaces serine, which is neutral and polar, with phenylalanine, which is neutral and non-polar, at codon 123 of the GAL protein (p.Ser123Phe).

NM_015973.5(GAL):c.368C>T (p.Ser123Phe)

Gene: GAL (galanin and GMAP prepropeptide; plus strand). Cytogenetic location: 11q13.2.
Variant type: single nucleotide variant.
Coding change: c.368C>T on transcript NM_015973.5 (MANE Select); coding-DNA position 368, C replaced by T.
Protein change: p.Ser123Phe; replaces serine 123 with phenylalanine.
Molecular consequence: missense variant.
Genome position (GRCh38, 1-based): chr11:68,690,983, C>T. VCF-style: chr11-68690983-C-T. GRCh37 (hg19) VCF-style: chr11-68458451-C-T.
Other names: short protein forms S123F.
Identifiers: ClinVar variation 940511 (VCV000940511.12), dbSNP rs747411981, ClinGen allele CA6151567.